The following is an entry in ClinVar:

NM_004364.5(CEBPA):c.911AGC[1] (p.Gln305del)

Gene: CEBPA (CCAAT enhancer binding protein alpha; minus strand). Cytogenetic location: 19q13.11.
Variant type: Microsatellite.
Coding change: c.911AGC[1] on transcript NM_004364.5 (MANE Select); one copy of the 3-base unit AGC starting at c.911; the reference has two copies in a row; one copy, 3 bases deleted.
Protein change: p.Gln305del; deletes glutamine 305.
Molecular consequence: inframe indel (on NM_004364.3).
Genome position (GRCh38, 1-based): chr19:33,301,499-33,301,501, GCT deleted on the plus strand (AGC on the coding strand, the reverse complement: CEBPA is on the minus strand); deleting any 3 consecutive bases within chr19:33,301,499-33,301,504 gives the same sequence; the position shown is the placement nearest the transcript's 3' end. VCF-style (leftmost placement, unchanged base first): chr19-33301498-CGCT-C. GRCh37 (hg19) VCF-style: chr19-33792404-CGCT-C.
Other names: c.554AGC[1], p.Gln186del (NM_001285829.2); c.1016AGC[1], p.Gln340del (NM_001287424.2); c.869AGC[1], p.Gln291del (NM_001287435.2); c.911_913AGC[1], p.Gln305del (NM_004364.3); c.914_916delAGC (NM_004364.3); short protein forms Q291del, Q305del, Q340del, Q186del.
Identifiers: ClinVar variation 4225038 (VCV004225038.1).

ClinVar aggregate classification (germline): Uncertain significance (1 of 4 stars; one submission).

Conditions:
Inborn genetic diseases. Identifiers: MedGen C0950123, MeSH D030342.

Submission:

Ambry Genetics
Classification: Uncertain significance for Inborn genetic diseases. Last evaluated: 2025-07-25. Review status: criteria provided, single submitter. Criteria: Ambry Variant Classification Scheme 2023. Collection method: clinical testing. Allele origin: germline.
Comment: The c.914_916delAGC variant (also known as p.Q305del) is located in coding exon 1 of the CEBPA gene. This variant results from an in-frame AGC deletion at nucleotide positions 914 to 916. This results in the in-frame deletion of a glutamine at codon 305. This amino acid position is not well conserved in available vertebrate species. In addition, this variant is predicted to be deleterious by in silico analysis (Choi Y et al. PLoS ONE. 2012; 7(10):e46688). Based on the available evidence, the clinical significance of this variant remains unclear.